The following is an entry in ClinVar:

ClinVar aggregate classification (germline): Likely pathogenic (1 of 4 stars; one submission).

Conditions:
Parathyroid carcinoma (PRTC). Also called: CDC73-Related Parathyroid Carcinoma; Parathyroid gland carcinoma. Identifiers: Orphanet 143, MedGen C0687150, MONDO:0012004, OMIM 608266, HP:0006780.

Submission:

Labcorp Genetics (formerly Invitae), Labcorp
Classification: Likely pathogenic for Parathyroid carcinoma. Last evaluated: 2024-09-05. Review status: criteria provided, single submitter. Criteria: Invitae Variant Classification Sherloc (09022015). Collection method: clinical testing. Allele origin: germline.
Comment: This sequence change affects an acceptor splice site in intron 11 of the CDC73 gene. It is expected to disrupt RNA splicing. Variants that disrupt the donor or acceptor splice site typically lead to a loss of protein function (PMID: 16199547), and loss-of-function variants in CDC73 are known to be pathogenic (PMID: 12434154). This variant is not present in population databases (gnomAD no frequency). This variant has not been reported in the literature in individuals affected with CDC73-related conditions. Algorithms developed to predict the effect of sequence changes on RNA splicing suggest that this variant may disrupt the consensus splice site. In summary, the currently available evidence indicates that the variant is pathogenic, but additional data are needed to prove that conclusively. Therefore, this variant has been classified as Likely Pathogenic.

Literature cited by the submitters: PubMed 16199547; PubMed 12434154.

NM_024529.5(CDC73):c.1031-1G>T

Gene: CDC73 (cell division cycle 73; plus strand). Cytogenetic location: 1q31.2.
Variant type: single nucleotide variant.
Coding change: c.1031-1G>T on transcript NM_024529.5 (MANE Select); the canonical splice acceptor site of the intron before coding-DNA position 1031, G replaced by T.
Molecular consequence: splice acceptor variant.
Genome position (GRCh38, 1-based): chr1:193,212,064, G>T. VCF-style: chr1-193212064-G-T. GRCh37 (hg19) VCF-style: chr1-193181194-G-T.
Identifiers: ClinVar variation 3664325 (VCV003664325.2).
Genomic context (GRCh38, chr1:193,212,064, plus strand): 5'-GTTTGAAAATAAGAATATGGTTTTTATGACACAGAGTTGTGATTTTTTTTCTTTTTCACA[G>T]TTTCTCAAGCAAGACCTCCCCCAAATCAGAAGAAAGGTGAGGTTGTGCATATGATTTTAA-3'